The following is an entry in ClinVar:

ClinVar aggregate classification (germline): Conflicting classifications of pathogenicity. Review status: criteria provided, conflicting classifications (1 of 4 stars). 4 submissions from 4 submitters: Uncertain significance (3); Likely benign (1). Last evaluated 2024-09-26.

Conditions:
Cardiovascular phenotype. Identifiers: MedGen CN230736.
Arrhythmogenic cardiomyopathy with wooly hair and keratoderma. Also called: Dilated cardiomyopathy with woolly hair and keratoderma; PALMOPLANTAR KERATODERMA WITH LEFT VENTRICULAR CARDIOMYOPATHY AND WOOLLY HAIR; Carvajal syndrome; Arrhythmogenic cardiomyopathy with woolly hair and keratoderma. Identifiers: Orphanet 65282, MedGen C1854063, MONDO:0011581, OMIM 605676.
Arrhythmogenic right ventricular dysplasia 8 (ARVD8). Also called: Arrhythmogenic Right Ventricular Dysplasia/Cardiomyopathy 8; ARRHYTHMOGENIC RIGHT VENTRICULAR DYSPLASIA, FAMILIAL, 8; ARRHYTHMOGENIC RIGHT VENTRICULAR CARDIOMYOPATHY 8. Identifiers: MedGen C1843896, MONDO:0011831, OMIM 607450.
Cardiomyopathy (CMYO). Also called: Cardiomyopathies. Identifiers: Orphanet 167848, MedGen C0878544, MONDO:0004994, HP:0001638. Inheritance: Various modes of inheritance.

Allele frequency attached by ClinVar (database versions not stated): gnomAD exomes below 0.00001 and 0.00001; TOPMed 0.00001; ExAC 0.00002; gnomAD 0.00003.
gnomAD v4.1: 6 of 1,614,064 alleles (0.00037%); highest among the groups gnomAD compares: African/African-American, 0.0027%; no homozygotes.

Submissions (4):

Labcorp Genetics (formerly Invitae), Labcorp
Classification: Likely benign for Arrhythmogenic cardiomyopathy with wooly hair and keratoderma; Arrhythmogenic right ventricular dysplasia 8. Last evaluated: 2024-09-26. Review status: criteria provided, single submitter. Criteria: Invitae Variant Classification Sherloc (09022015). Collection method: clinical testing. Allele origin: germline.

Color Diagnostics, LLC DBA Color Health
Classification: Uncertain significance for Cardiomyopathy. Last evaluated: 2024-03-06. Review status: criteria provided, single submitter. Criteria: ACMG Guidelines, 2015. Collection method: clinical testing. Allele origin: germline.
Comment: This missense variant replaces glutamine with arginine at codon 2677 of the DSP protein. Computational prediction suggests that this variant may not impact protein structure and function (internally defined REVEL score threshold <= 0.5, PMID: 27666373). To our knowledge, functional studies have not been reported for this variant. This variant has not been reported in individuals affected with cardiovascular disorders in the literature. This variant has been identified in 3/282470 chromosomes in the general population by the Genome Aggregation Database (gnomAD). The available evidence is insufficient to determine the role of this variant in disease conclusively. Therefore, this variant is classified as a Variant of Uncertain Significance.

Ambry Genetics
Classification: Uncertain significance for Cardiovascular phenotype. Last evaluated: 2023-11-04. Review status: criteria provided, single submitter. Criteria: Ambry Variant Classification Scheme 2023. Collection method: clinical testing. Allele origin: germline.
Comment: The p.Q2677R variant (also known as c.8030A>G), located in coding exon 24 of the DSP gene, results from an A to G substitution at nucleotide position 8030. The glutamine at codon 2677 is replaced by arginine, an amino acid with highly similar properties. This amino acid position is conserved. In addition, the in silico prediction for this alteration is inconclusive. Since supporting evidence is limited at this time, the clinical significance of this alteration remains unclear.

All of Us Research Program, National Institutes of Health
Classification: Uncertain significance for Arrhythmogenic cardiomyopathy with wooly hair and keratoderma. Last evaluated: 2023-04-27. Review status: criteria provided, single submitter. Criteria: ACMG Guidelines, 2015. Collection method: clinical testing. Allele origin: germline. Inheritance: Autosomal dominant inheritance. Observed: 1 variant allele, 1 heterozygote.
Comment: This study involves interpretation of variants in research participants for the purpose of population health screening. Participant phenotype was not available at the time of variant classification. Additional details can be found in publication PMID: 35346344, PMCID: PMC8962531

NM_004415.4(DSP):c.8030A>G (p.Gln2677Arg)

Gene: DSP (desmoplakin; plus strand). Cytogenetic location: 6p24.3.
Variant type: single nucleotide variant.
Coding change: c.8030A>G on transcript NM_004415.4 (MANE Select); coding-DNA position 8030, A replaced by G.
Protein change: p.Gln2677Arg; replaces glutamine 2677 with arginine.
Molecular consequence: missense variant.
Genome position (GRCh38, 1-based): chr6:7,585,292, A>G. VCF-style: chr6-7585292-A-G. GRCh37 (hg19) VCF-style: chr6-7585525-A-G.
Other names: c.6233A>G, p.Gln2078Arg (NM_001008844.3); c.6701A>G, p.Gln2234Arg (NM_001319034.2); short protein forms Q2078R, Q2234R, Q2677R.
Identifiers: ClinVar variation 1171330 (VCV001171330.7), dbSNP rs749806703, ClinGen allele CA051409.
Genomic context (GRCh38, chr6:7,585,292, plus strand): 5'-CAGGTGGCATCATCCACCCAACCACGGGCCAGAAGCTGTCACTTCAGGACGCAGTCTCCC[A>G]GGGTGTGATTGACCAAGACATGGCCACCAGGCTGAAGCCTGCTCAGAAAGCCTTCATAGG-3'
Protein context (NP_004406.2, residues 2667-2687): QKLSLQDAVS[Gln2677Arg]GVIDQDMATR